The following is an entry in ClinVar:

NM_006440.5(TXNRD2):c.450-1G>A

Gene: TXNRD2 (thioredoxin reductase 2; minus strand). Cytogenetic location: 22q11.21.
Variant type: single nucleotide variant.
Coding change: c.450-1G>A on transcript NM_006440.5 (MANE Select); the canonical splice acceptor site of the intron before coding-DNA position 450, G replaced by A.
Molecular consequence: splice acceptor variant.
Genome position (GRCh38, 1-based): chr22:19,915,844, C>T on the plus strand (G>A on the coding strand, the complement: TXNRD2 is on the minus strand). VCF-style: chr22-19915844-C-T. GRCh37 (hg19) VCF-style: chr22-19903367-C-T.
Other names: c.447-1G>A (NM_001352300.2); c.162-1G>A (NM_001352302.2); c.360-1G>A (NM_001352301.2); c.450-1G>A (NM_001282512.3, NM_006440.3); c.354-1G>A (NM_001352303.2).
Identifiers: ClinVar variation 939108 (VCV000939108.10), dbSNP rs755703700, ClinGen allele CA10104185.

ClinVar aggregate classification (germline): Uncertain significance. Review status: criteria provided, multiple submitters, no conflicts (2 of 4 stars). 2 submissions from 2 submitters: Uncertain significance (2). Last evaluated 2024-11-07.

Conditions:
Cardiovascular phenotype. Identifiers: MedGen CN230736.
Primary dilated cardiomyopathy (DCM). Also called: Dilated Cardiomyopathy. Identifiers: Orphanet 217604, MedGen C0007193, MeSH D002311, MONDO:0005021, HP:0001644. Inheritance: Various modes of inheritance.

Allele frequency attached by ClinVar (database versions not stated): ExAC 0.00001; gnomAD 0.00001; gnomAD exomes 0.00001; TOPMed 0.00001.
gnomAD v4.1: 13 of 1,613,708 alleles (0.00081%); highest among the groups gnomAD compares: Non-Finnish European, 0.0011%; no homozygotes.

Submissions (2):

Labcorp Genetics (formerly Invitae), Labcorp
Classification: Uncertain significance for Primary dilated cardiomyopathy. Last evaluated: 2024-11-07. Review status: criteria provided, single submitter. Criteria: Invitae Variant Classification Sherloc (09022015). Collection method: clinical testing. Allele origin: germline.
Comment: This sequence change affects an acceptor splice site in intron 5 of the TXNRD2 gene. It is expected to disrupt RNA splicing. Variants that disrupt the donor or acceptor splice site typically lead to a loss of protein function (PMID: 16199547), however the current clinical and genetic evidence is not sufficient to establish whether loss-of-function variants in TXNRD2 cause disease. This variant is present in population databases (rs755703700, gnomAD 0.003%). This variant has not been reported in the literature in individuals affected with TXNRD2-related conditions. ClinVar contains an entry for this variant (Variation ID: 939108). Algorithms developed to predict the effect of sequence changes on RNA splicing suggest that this variant may disrupt the consensus splice site. In summary, the available evidence is currently insufficient to determine the role of this variant in disease. Therefore, it has been classified as a Variant of Uncertain Significance.

Ambry Genetics
Classification: Uncertain significance for Cardiovascular phenotype. Last evaluated: 2023-07-13. Review status: criteria provided, single submitter. Criteria: Ambry Variant Classification Scheme 2023. Collection method: clinical testing. Allele origin: germline.
Comment: The c.450-1G>A intronic variant results from a G to A substitution one nucleotide before coding exon 6 of the TXNRD2 gene. This nucleotide position is highly conserved in available vertebrate species. In silico splice site analysis predicts that this alteration will weaken the native splice acceptor site. Alterations that disrupt the canonical splice site are expected to cause aberrant splicing, resulting in an abnormal protein or a transcript that is subject to nonsense-mediated mRNA decay. However, loss of function of TXNRD2 has not been established as a mechanism of disease. The evidence for this gene-disease relationship is limited; therefore, the clinical significance of this alteration is unclear.

Literature cited by the submitters: PubMed 16199547 (cited by Labcorp Genetics (formerly Invitae), Labcorp).